The following is an entry in ClinVar:

NM_000540.3(RYR1):c.7304G>A (p.Arg2435His)

Gene: RYR1 (ryanodine receptor 1; plus strand). Cytogenetic location: 19q13.2.
Variant type: single nucleotide variant.
Coding change: c.7304G>A on transcript NM_000540.3 (MANE Select); coding-DNA position 7304, G replaced by A.
Protein change: p.Arg2435His; replaces arginine 2435 with histidine.
Molecular consequence: missense variant.
Genome position (GRCh38, 1-based): chr19:38,499,997, G>A. VCF-style: chr19-38499997-G-A. GRCh37 (hg19) VCF-style: chr19-38990637-G-A.
Other names: NM_000540.3(RYR1):c.7304G>A; c.7304G>A, p.Arg2435His (NM_001042723.2); short protein forms R2435H.
Identifiers: ClinVar variation 12966 (VCV000012966.33), dbSNP rs28933396, ClinGen allele CA024750.

ClinVar aggregate classification (germline): Pathogenic; drug response. Review status: reviewed by expert panel (3 of 4 stars). 19 submissions from 13 submitters: Pathogenic (1). 11 of the submissions do not count toward it. Last evaluated 2021-03-24.

Conditions:
Central core myopathy (CMYO1A). Also called: CONGENITAL MYOPATHY 1A, AUTOSOMAL DOMINANT, WITH SUSCEPTIBILITY TO MALIGNANT HYPERTHERMIA; Central core disease; Myopathy, central fibrillar. Identifiers: Orphanet 597, MedGen C5830701, MONDO:0007294, OMIM 117000.
Malignant hyperthermia, susceptibility to, 1 (MHS1). Also called: RYR1-Related Malignant Hyperthermia Susceptibility; Anesthesia related hyperthermia; Malignant hyperpyrexia; Fulminating hyperpyrexia; Pharmacogenic myopathy; Malignant hyperthermia suceptibility 1. Identifiers: Orphanet 423, MedGen C2930980, MONDO:0007783, OMIM 145600.
RYR1-related disorder. Also called: RYR1-related condition; RYR1-related disorders. Identifiers: MedGen CN239331.
Malignant hyperthermia of anesthesia. Also called: Anesthesic-triggered malignant hyperthermia. Identifiers: Orphanet 423, MedGen C0024591, MONDO:0018493, HP:0034733.
succinylcholine response - Toxicity.
sevoflurane response - Toxicity.
methoxyflurane response - Toxicity.
isoflurane response - Toxicity.
halothane response - Toxicity.
enflurane response - Toxicity.
desflurane response - Toxicity.

gnomAD v4.1: 1 of 1,614,114 alleles (0.000062%); highest among the groups gnomAD compares: Non-Finnish European, 0.000085%; no homozygotes.

Submissions 1 to 11 of 19:

ClinPGx
Classification: drug response for desflurane response - Toxicity. Last evaluated: 2021-03-24. Review status: reviewed by expert panel. Criteria: Pharmacogenomics knowledge for personalized medicine. Collection method: curation. Allele origin: germline. Affected: yes.
Comment: PharmGKB Level of Evidence 1A: Level 1A clinical annotations describe variant-drug combinations that have variant-specific prescribing guidance available in a current clinical guideline annotation or an FDA-approved drug label annotation. Annotations of drug labels or clinical guidelines must give prescribing guidance for specific variants (e.g. CYP2C9*3, HLA-B*57:01) or provide mapping from defined allele functions to diplotypes and phenotypes to be used as supporting evidence for a level 1A clinical annotation. Level 1A clinical annotations must also be supported by at least one publication in addition to a clinical guideline or drug label with variant-specific prescribing guidance.

Drug is not necessarily used to treat response condition

ClinPGx
Classification: drug response for enflurane response - Toxicity. Last evaluated: 2021-03-24. Review status: reviewed by expert panel. Criteria: Pharmacogenomics knowledge for personalized medicine. Collection method: curation. Allele origin: germline. Affected: yes.
Comment: the same text as in the submission from ClinPGx above.

ClinPGx
Classification: drug response for halothane response - Toxicity. Last evaluated: 2021-03-24. Review status: reviewed by expert panel. Criteria: Pharmacogenomics knowledge for personalized medicine. Collection method: curation. Allele origin: germline. Affected: yes.
Comment: the same text as in the submission from ClinPGx above.

ClinPGx
Classification: drug response for isoflurane response - Toxicity. Last evaluated: 2021-03-24. Review status: reviewed by expert panel. Criteria: Pharmacogenomics knowledge for personalized medicine. Collection method: curation. Allele origin: germline. Affected: yes.
Comment: the same text as in the submission from ClinPGx above.

ClinPGx
Classification: drug response for methoxyflurane response - Toxicity. Last evaluated: 2021-03-24. Review status: reviewed by expert panel. Criteria: Pharmacogenomics knowledge for personalized medicine. Collection method: curation. Allele origin: germline. Affected: yes.
Comment: the same text as in the submission from ClinPGx above.

ClinPGx
Classification: drug response for sevoflurane response - Toxicity. Last evaluated: 2021-03-24. Review status: reviewed by expert panel. Criteria: Pharmacogenomics knowledge for personalized medicine. Collection method: curation. Allele origin: germline. Affected: yes.
Comment: the same text as in the submission from ClinPGx above.

ClinPGx
Classification: drug response for succinylcholine response - Toxicity. Last evaluated: 2021-03-24. Review status: reviewed by expert panel. Criteria: Pharmacogenomics knowledge for personalized medicine. Collection method: curation. Allele origin: germline. Affected: yes.
Comment: the same text as in the submission from ClinPGx above.

ClinGen Malignant Hyperthermia Susceptibility Variant Curation Expert Panel, ClinGen
Classification: Pathogenic for Malignant hyperthermia, susceptibility to, 1. Last evaluated: 2021-03-19. Review status: reviewed by expert panel. Criteria: ClinGen MHS ACMG Specifications V2. Collection method: curation. Allele origin: germline. Inheritance: Autosomal dominant inheritance.
Comment: This pathogenicity assessment is relevant only for malignant hyperthermia susceptibility (MHS) inherited in an autosomal dominant pattern. Variants in RYR1 can also cause other myopathies inherited in an autosomal dominant pattern or in an autosomal recessive pattern. Some of these disorders may predispose individuals to malignant hyperthermia. RYR1 variants may also contribute to a malignant hyperthermia reaction in combination with other genetic and non-genetic factors and the clinician needs to consider such factors in making management decisions. This sequence variant predicts a substitution of arginine with histidine at codon 2435 of the RYR1 protein, p.(Arg2435His). This variant was not present in a large population database (gnomAD) at the time this variant was interpreted. This variant has been reported in 26 unrelated individuals who have a personal or family history of a malignant hyperthermia reaction, 24 of these individuals had a positive in vitro contracture test (IVCT) or caffeine halothane contracture test (CHCT) result (if the proband was unavailable for testing, a positive diagnostic test result in a mutation-positive relative was counted), PS4 (PMID: 30236257, 16163667, 21965348, 23842196, 12059893, 17081152, 17710899, 20681998, 31559918, 16732084, 19513315). Functional studies in HEK293 cells shows an increased sensitivity to RYR1 agonists, PS3_Moderate (PMID: 9334205, 27586648). This variant resides in a region of RYR1 considered to be a hotspot for pathogenic variants that contribute to MHS, PM1 (PMID: 21118704). This variant segregates with MHS in at least 10 families individuals, PP1_Strong (PMID: 12059893, 30236257, 32919876). A REVEL score >0.85 (0.944) supports a pathogenic status for this variant, PP3_Moderate. This variant has been classified as Pathogenic. Criteria implemented: PS3_Moderate, PS4, PM1, PP1_Strong, PP3_Moderate.

Dasa
Classification: Pathogenic. Last evaluated: 2025-10-23. Review status: criteria provided, single submitter. Criteria: DASA Assertion Criteria. Collection method: clinical testing. Allele origin: germline. Not counted in ClinVar's aggregate classification.
Comment: NM_000540.3(RYR1):c.7304G>A (p.Arg2435His) is a missense variant that results in the substitution of arginine with histidine. The affected residue or protein region has prior evidence supporting clinical relevance. Segregation evidence has been reported in affected families. Functional evidence supports a deleterious effect on the gene or gene product (PMID: 21118704; PMID: 12059893; PMID: 32919876; PMID: 27586648; PMID: 19648156). This variant has been recurrently observed in individuals with related phenotype (PMID: 21118704; PMID: 12059893; PMID: 32919876; PMID: 27586648; PMID: 19648156). Multiple computational predictions support a deleterious effect on the gene or gene product. The variant is present at low frequency in population datasets. Based on the available data, this variant is classified as pathogenic.

Institute of Immunology and Genetics Kaiserslautern
Classification: Pathogenic for Central core myopathy; Malignant hyperthermia, susceptibility to, 1. Last evaluated: 2025-03-25. Review status: criteria provided, single submitter. Criteria: ACMG Guidelines, 2015. Collection method: clinical testing. Allele origin: germline. Affected: yes. Not counted in ClinVar's aggregate classification.
Comment: ACMG Criteria: PP1, PP3, PP5_M, PM1, PM2_P, PM5, PS3 ; Variant was found in heterozygous state.

Variantyx, Inc.
Classification: Pathogenic for Malignant hyperthermia, susceptibility to, 1. Last evaluated: 2025-03-12. Review status: criteria provided, single submitter. Criteria: Variantyx Assertion Criteria 2022. Collection method: clinical testing. Allele origin: germline. Inheritance: Autosomal dominant inheritance. Affected: no. Not counted in ClinVar's aggregate classification.
Comment: This is a nonsynonymous variant in the RYR1 gene (OMIM: 180901). Pathogenic variants in this gene have been associated with autosomal dominant susceptibility to malignant hyperthermia 1. This variant has been reported in at least 4 unrelated affected individuals (PMID: 16163667) (PS4_Moderate). Functional studies have shown that this variant alters RYR1 protein function (PMID: 27586648, 28687594, 9334205) (PS3), and multiple computational algorithms predict a deleterious effect for this variant (REVEL score: 0.944) (PP3). Moreiver, the variant lies within a known hotspot for pathogenic variants or a well-established critical functional domain of the RYR1 protein (PMID: 27586648) (PM1) and has a 0.0001% maximum allele frequency in non-founder control populations (PM2). Based on the current evidence, this variant is classified as pathogenic for autosomal dominant susceptibility to malignant hyperthermia 1.